The following is an entry in ClinVar:

ClinVar aggregate classification (germline): Pathogenic/Likely pathogenic. Review status: criteria provided, multiple submitters, no conflicts (2 of 4 stars). 4 submissions from 4 submitters: Pathogenic (1); Likely pathogenic (3). Last evaluated 2024-05-02.

Conditions:
Oculocutaneous albinism. Identifiers: Orphanet 55, MedGen C0078918, MONDO:0018910.
Tyrosinase-positive oculocutaneous albinism (OCA2). Also called: Albinism, oculocutaneous, type II; Oculocutaneous albinism type 2; ALBINISM II. Identifiers: Orphanet 79432, MedGen C0268495, MONDO:0008746, OMIM 203200.
SKIN/HAIR/EYE PIGMENTATION 1, BLUE/NONBLUE EYES (SHEP1). Also called: SKIN/HAIR/EYE PIGMENTATION 1, BLOND/BROWN HAIR; SKIN/HAIR/EYE PIGMENTATION 1, BLUE/BROWN EYES; BROWN EYE COLOR 2; EYE COLOR 3; EYE COLOR, BLUE/NONBLUE; EYE COLOR, BROWN/BLUE. Identifiers: MedGen C1856895, OMIM 227220.

Allele frequency attached by ClinVar (database versions not stated): gnomAD 0.00001; 1000 Genomes Project 30x 0.00016; 1000 Genomes Project 0.00020.
gnomAD v4.1: 1 of 1,613,722 alleles (0.000062%); highest among the groups gnomAD compares: East Asian, 0.0022%; no homozygotes.

Submissions (4):

Fulgent Genetics
Classification: Likely pathogenic for Tyrosinase-positive oculocutaneous albinism; SKIN/HAIR/EYE PIGMENTATION 1, BLUE/NONBLUE EYES. Last evaluated: 2024-05-02. Review status: criteria provided, single submitter. Criteria: ACMG Guidelines, 2015. Collection method: clinical testing. Allele origin: germline.

Women's Health and Genetics/Laboratory Corporation of America, LabCorp
Classification: Likely pathogenic for Oculocutaneous albinism. Last evaluated: 2024-05-01. Review status: criteria provided, single submitter. Criteria: LabCorp Variant Classification Summary - May 2015. Collection method: clinical testing. Allele origin: germline.
Comment: Variant summary: OCA2 c.2491G>C (p.Ala831Pro) results in a non-conservative amino acid change in the encoded protein sequence. Four of five in-silico tools predict a damaging effect of the variant on protein function. The variant allele was found at a frequency of 4e-06 in 251106 control chromosomes (gnomAD v2.1). c.2491G>C has been reported in the literature in at least 4 compound heterozygous individuals affected with Oculocutaneous Albinism, who carried a second (likely) pathogenic variant (Wei_2011, Wei_2022). These data indicate that the variant is likely to be associated with disease. To our knowledge, no experimental evidence demonstrating an impact on protein function has been reported. The following publications have been ascertained in the context of this evaluation (PMID: 21458243, 34838614). ClinVar contains an entry for this variant (Variation ID: 2736158). Based on the evidence outlined above, the variant was classified as likely pathogenic.

Labcorp Genetics (formerly Invitae), Labcorp
Classification: Pathogenic. Last evaluated: 2023-10-30. Review status: criteria provided, single submitter. Criteria: Invitae Variant Classification Sherloc (09022015). Collection method: clinical testing. Allele origin: germline.
Comment: This sequence change replaces alanine, which is neutral and non-polar, with proline, which is neutral and non-polar, at codon 831 of the OCA2 protein (p.Ala831Pro). This variant is not present in population databases (gnomAD no frequency). This missense change has been observed in individual(s) with oculocutaneous albinism (PMID: 21458243, 34838614). Advanced modeling of protein sequence and biophysical properties (such as structural, functional, and spatial information, amino acid conservation, physicochemical variation, residue mobility, and thermodynamic stability) performed at Invitae indicates that this missense variant is not expected to disrupt OCA2 protein function with a negative predictive value of 80%. For these reasons, this variant has been classified as Pathogenic.

Juno Genomics, Hangzhou Juno Genomics, Inc
Classification: Likely pathogenic for SKIN/HAIR/EYE PIGMENTATION 1, BLUE/NONBLUE EYES; Tyrosinase-positive oculocutaneous albinism. Review status: criteria provided, single submitter. Criteria: ACMG Guidelines, 2015. Collection method: clinical testing. Allele origin: germline.
Comment: Absent from controls (or at extremely low frequency if recessive) in Genome Aggregation Database.;Multiple lines of computational evidence support a deleterious effect on the gene or gene product.;For recessive disorders, detected in trans with a pathogenic variant.;Patient's phenotype or family history is highly specific for a disease with a single genetic etiology.

Literature cited by the submitters: PubMed 21458243 (cited by Women's Health and Genetics/Laboratory Corporation of America, LabCorp and Labcorp Genetics (formerly Invitae), Labcorp); PubMed 34838614 (cited by Women's Health and Genetics/Laboratory Corporation of America, LabCorp and Labcorp Genetics (formerly Invitae), Labcorp).

NM_000275.3(OCA2):c.2491G>C (p.Ala831Pro)

Gene: OCA2 (OCA2 melanosomal transmembrane protein; minus strand). Cytogenetic location: 15q12.
Variant type: single nucleotide variant.
Coding change: c.2491G>C on transcript NM_000275.3 (MANE Select); coding-DNA position 2491, G replaced by C.
Protein change: p.Ala831Pro; replaces alanine 831 with proline.
Molecular consequence: missense variant.
Genome position (GRCh38, 1-based): chr15:27,755,414, C>G on the plus strand (G>C on the coding strand, the complement: OCA2 is on the minus strand). VCF-style: chr15-27755414-C-G. GRCh37 (hg19) VCF-style: chr15-28000560-C-G.
Other names: c.2419G>C, p.Ala807Pro (NM_001300984.2); short protein forms A831P, A807P.
Identifiers: ClinVar variation 2736158 (VCV002736158.7), dbSNP rs183101063, ClinGen allele CA268293927.
Genomic context (GRCh38, chr15:27,755,414, plus strand): 5'-TTCCTTTAGTCTTCGAGCAATAGATGGATGTCTATTAATTCCATCCCACCACCACATGAG[C>G]CACAAGGAGATAACACATCCCAACAGTGCAGGACACAACCATCATTGGGAAGCCCAGCCT-3'
Protein context (NP_000266.2, residues 821-838): CTVGMCYLLV[Ala831Pro]HVVVGWN